The following is an entry in ClinVar:

NM_001844.5(COL2A1):c.925-1G>A

Gene: COL2A1 (collagen type II alpha 1 chain; minus strand). Cytogenetic location: 12q13.11.
Variant type: single nucleotide variant.
Coding change: c.925-1G>A on transcript NM_001844.5 (MANE Select); the canonical splice acceptor site of the intron before coding-DNA position 925, G replaced by A.
Molecular consequence: splice acceptor variant.
Genome position (GRCh38, 1-based): chr12:47,993,503, C>T on the plus strand (G>A on the coding strand, the complement: COL2A1 is on the minus strand). VCF-style: chr12-47993503-C-T. GRCh37 (hg19) VCF-style: chr12-48387286-C-T.
Other names: c.718-1G>A (NM_033150.3).
Identifiers: ClinVar variation 1805273 (VCV001805273.2), dbSNP rs2540167332, ClinGen allele CA384521846.
Genomic context (GRCh38, chr12:47,993,503, plus strand): 5'-GGTGTCCATACTTACCATTGGGCCCGGAGATCCGTTCTCACCCGGGGAACCACTCTCACC[C>T]TGGAAAAATGATGCACAAGGTCAGTGTCTGGGACCCCATTCTTGGCCGCCAGCAAACTCC-3'

ClinVar aggregate classification (germline): Pathogenic. Review status: criteria provided, multiple submitters, no conflicts (2 of 4 stars). 2 submissions from 2 submitters: Pathogenic (2). Last evaluated 2026-03-16.

Conditions:
Stickler syndrome type 1 (STL1). Also called: STICKLER SYNDROME, MEMBRANOUS VITREOUS TYPE; STICKLER SYNDROME, VITREOUS TYPE 1; ARTHROOPHTHALMOPATHY, HEREDITARY PROGRESSIVE; COL2A1-Related Stickler Syndrome. Identifiers: Orphanet 828, Orphanet 90653, MedGen C2020284, MONDO:0007160, OMIM 108300.

Submissions (2):

GeneDx
Classification: Pathogenic. Last evaluated: 2026-03-16. Review status: criteria provided, single submitter. Criteria: GeneDx Variant Classification Process June 2021. Collection method: clinical testing. Allele origin: germline.
Comment: Not observed at significant frequency in large population cohorts (gnomAD); Damages or destroys the splice acceptor site in intron 14, and is expected to cause abnormal gene splicing; if the splice outcome is exon skip, the loss of the encoded residues in the triple helical region is expected to disrupt normal protein folding and function, and this is an established mechanism of disease (HGMD); This variant is associated with the following publications: (PMID: 25525159, 20179744, 10486316, 32756486)

Victorian Clinical Genetics Services, Murdoch Childrens Research Institute
Classification: Pathogenic for Stickler syndrome type 1. Last evaluated: 2022-02-02. Review status: criteria provided, single submitter. Criteria: ACMG Guidelines, 2015. Collection method: clinical testing. Allele origin: germline. Inheritance: Autosomal dominant inheritance.
Comment: Based on the classification scheme VCGS_Germline_v1.3.4, this variant is classified as Pathogenic. Following criteria are met: 0103 - Dominant negative and loss of function are known mechanisms of disease in this gene. Protein truncating variants leading to haploinsufficiency are typically associated with Stickler syndrome while variants affecting glycine residues exert a dominant negative effect and are commonly associated with spondyloepiphyseal dysplasia (PMIDs: 20179744, 15895462). (I) 0107 - This gene is associated with autosomal dominant disease. (I) 0115 - Variants in this gene are known to have variable expressivity. Both inter and intra-familial variability have been reported (GeneReviews). (I) 0209 - Splice site variant proven to affect splicing of the transcript with uncertain effect on protein sequence. RNA studies using cycloheximide have suggested this variant results in an insertion with a premature stop codon p.Lys308_Gly309insGluPheAlaGlyGlyGlnGluTrpGlyProArgHis*13, however no evidence was provided (PMID: 20179744). (SP) 0251 - This variant is heterozygous. (I) 0301 - Variant is absent from gnomAD (both v2 and v3). (SP) 0705 - No comparable splice site variants have previous evidence for pathogenicity. (I) 0802 - This variant has moderate previous evidence of pathogenicity in unrelated individuals. It has been reported in an individual with Stickler syndrome (PMID: 20179744) as well as shown de novo in in patient with Stickler syndrome patient with high myopia or retinal detachment (PMID: 32756486). (SP) 0905 - No published segregation evidence has been identified for this variant. (I) 1007 - No published functional evidence has been identified for this variant. (I) Legend: (SP) - Supporting pathogenic, (I) - Information, (SB) - Supporting benign

Literature cited by the submitters: PubMed 15895462 (cited by Victorian Clinical Genetics Services, Murdoch Childrens Research Institute); PubMed 20179744 (cited by Victorian Clinical Genetics Services, Murdoch Childrens Research Institute); PubMed 32756486 (cited by Victorian Clinical Genetics Services, Murdoch Childrens Research Institute).